The following is an entry in ClinVar:

NM_001065.4(TNFRSF1A):c.757C>G (p.Pro253Ala)

Genes: TNFRSF1A (TNF receptor superfamily member 1A; minus strand), LOC130007232 (ATAC-STARR-seq lymphoblastoid active region 5847; plus strand). Cytogenetic location: 12p13.31.
Variant type: single nucleotide variant.
Coding change: c.757C>G on transcript NM_001065.4 (MANE Select); coding-DNA position 757, C replaced by G.
Protein change: p.Pro253Ala; replaces proline 253 with alanine.
Molecular consequence: missense variant. On other transcripts: non-coding transcript variant (1).
Genome position (GRCh38, 1-based): chr12:6,330,278, G>C on the plus strand (C>G on the coding strand, the complement: TNFRSF1A is on the minus strand). VCF-style: chr12-6330278-G-C. GRCh37 (hg19) VCF-style: chr12-6439444-G-C.
Other names: c.433C>G, p.Pro145Ala (NM_001346091.2); c.298C>G, p.Pro100Ala (NM_001346092.2); short protein forms P100A, P145A, P253A.
Identifiers: ClinVar variation 837471 (VCV000837471.1), dbSNP rs200710363, ClinGen allele CA232326834.
Genomic context (GRCh38, chr12:6,330,278, plus strand): 5'-TAAGGAATGGTCAGGGACATTTGGGAGTAACTCTCTCATTTCATCTCACCTCTTTTTCAG[G>C]TGTCGATTTCCCACAAACTGAGGAAAAAGAAAGAAAGCATCATAAATTTCACTTCCTCTC-3'
Protein context (NP_001056.1, residues 243-263): LYSIVCGKST[Pro253Ala]EKEGELEGTT

ClinVar aggregate classification (germline): Uncertain significance (1 of 4 stars; one submission).

Conditions:
TNF receptor-associated periodic fever syndrome (TRAPS) (FPF). Also called: TNF RECEPTOR-ASSOCIATED PERIODIC SYNDROME; TUMOR NECROSIS FACTOR RECEPTOR-ASSOCIATED PERIODIC SYNDROME; FAMILIAL HIBERNIAN FEVER; TNF receptor 1-associated periodic fever syndrome; TNF Receptor-Associated Periodic Fever Syndrome; Autosomal Dominant Familial Periodic Fever. Identifiers: Orphanet 32960, MedGen C1275126, MONDO:0007727, OMIM 142680.

Allele frequency attached by ClinVar (database versions not stated): gnomAD exomes below 0.00001.

Submission:

Labcorp Genetics (formerly Invitae), Labcorp
Classification: Uncertain significance for TNF receptor-associated periodic fever syndrome (TRAPS). Last evaluated: 2019-11-25. Review status: criteria provided, single submitter. Criteria: Invitae Variant Classification Sherloc (09022015). Collection method: clinical testing. Allele origin: germline.
Comment: This sequence change replaces proline with alanine at codon 253 of the TNFRSF1A protein (p.Pro253Ala). The proline residue is moderately conserved and there is a small physicochemical difference between proline and alanine. This variant is not present in population databases (ExAC no frequency). This variant has not been reported in the literature in individuals with TNFRSF1A-related conditions. Algorithms developed to predict the effect of missense changes on protein structure and function are either unavailable or do not agree on the potential impact of this missense change (SIFT: "Tolerated"; PolyPhen-2: "Possibly Damaging"; Align-GVGD: "Class C0"). In summary, the available evidence is currently insufficient to determine the role of this variant in disease. Therefore, it has been classified as a Variant of Uncertain Significance.